The following is an entry in ClinVar:

ClinVar aggregate classification (germline): Likely benign (1 of 4 stars; one submission).

Submission:

CeGaT Center for Human Genetics Tuebingen
Classification: Likely benign. Last evaluated: 2022-09-01. Review status: criteria provided, single submitter. Criteria: CeGaT Center For Human Genetics Tuebingen Variant Classification Criteria Version 2. Collection method: clinical testing. Allele origin: germline. Affected: yes. Observed: 1 variant allele.
Comment: CEP250: PM2:Supporting, BP4, BP7

NM_007186.6(CEP250):c.3787A>C (p.Arg1263=)

Gene: CEP250 (centrosomal protein 250; plus strand). Cytogenetic location: 20q11.22.
Variant type: single nucleotide variant.
Coding change: c.3787A>C on transcript NM_007186.6 (MANE Select); coding-DNA position 3787, A replaced by C.
Protein change: p.Arg1263=; no amino-acid change (arginine 1263 retained).
Molecular consequence: synonymous variant.
Genome position (GRCh38, 1-based): chr20:35,500,058, A>C. VCF-style: chr20-35500058-A-C. GRCh37 (hg19) VCF-style: chr20-34087887-A-C.
Other names: c.1891A>C, p.Arg631= (NM_001318219.1).
Identifiers: ClinVar variation 2652285 (VCV002652285.24), dbSNP rs2516176487, ClinGen allele CA510320275.